The following is an entry in ClinVar:

NM_016219.5(MAN1B1):c.1013G>T (p.Gly338Val)

Gene: MAN1B1 (mannosidase alpha class 1B member 1; plus strand). Cytogenetic location: 9q34.3.
Variant type: single nucleotide variant.
Coding change: c.1013G>T on transcript NM_016219.5 (MANE Select); coding-DNA position 1013, G replaced by T.
Protein change: p.Gly338Val; replaces glycine 338 with valine.
Molecular consequence: missense variant. On other transcripts: non-coding transcript variant (2).
Genome position (GRCh38, 1-based): chr9:137,101,101, G>T. VCF-style: chr9-137101101-G-T. GRCh37 (hg19) VCF-style: chr9-139995553-G-T.
Other names: c.905G>T, p.Gly302Val (NM_007230.1); short protein forms G302V, G338V.
Identifiers: ClinVar variation 2580763 (VCV002580763.4), dbSNP rs367593676, ClinGen allele CA5358870.

ClinVar aggregate classification (germline): Uncertain significance. Review status: criteria provided, multiple submitters, no conflicts (2 of 4 stars). 2 submissions from 2 submitters: Uncertain significance (2). Last evaluated 2023-11-20.

Conditions:
Rafiq syndrome (RAFQS). Identifiers: Orphanet 88616, MedGen C3280127, MONDO:0013624, OMIM 614202.

gnomAD v4.1: 13 of 1,614,084 alleles (0.00081%); highest among the groups gnomAD compares: South Asian, 0.0033%; no homozygotes.

Submissions (2):

Labcorp Genetics (formerly Invitae), Labcorp
Classification: Uncertain significance for Rafiq syndrome. Last evaluated: 2023-11-20. Review status: criteria provided, single submitter. Criteria: Invitae Variant Classification Sherloc (09022015). Collection method: clinical testing. Allele origin: germline.
Comment: This sequence change replaces glycine, which is neutral and non-polar, with valine, which is neutral and non-polar, at codon 338 of the MAN1B1 protein (p.Gly338Val). This variant is present in population databases (rs367593676, gnomAD 0.002%). This variant has not been reported in the literature in individuals affected with MAN1B1-related conditions. ClinVar contains an entry for this variant (Variation ID: 2580763). An algorithm developed to predict the effect of missense changes on protein structure and function (PolyPhen-2) suggests that this variant is likely to be disruptive. In summary, the available evidence is currently insufficient to determine the role of this variant in disease. Therefore, it has been classified as a Variant of Uncertain Significance.

GeneDx
Classification: Uncertain significance. Last evaluated: 2023-09-11. Review status: criteria provided, single submitter. Criteria: GeneDx Variant Classification Process June 2021. Collection method: clinical testing. Allele origin: germline. Affected: yes.
Comment: Not observed at significant frequency in large population cohorts (gnomAD); In silico analysis supports that this missense variant has a deleterious effect on protein structure/function; Has not been previously published as pathogenic or benign to our knowledge